The following is an entry in ClinVar:

ClinVar aggregate classification (germline): Uncertain significance. Review status: criteria provided, multiple submitters, no conflicts (2 of 4 stars). 2 submissions from 2 submitters: Uncertain significance (2). Last evaluated 2025-11-03.

Conditions:
Hereditary cancer-predisposing syndrome. Also called: Neoplastic Syndromes, Hereditary; Tumor predisposition; Hereditary Cancer Syndrome; Hereditary neoplastic syndrome. Identifiers: Orphanet 140162, MedGen C0027672, MeSH D009386, MONDO:0015356.
Familial adenomatous polyposis 1 (FAP1). Also called: FAMILIAL ADENOMATOUS POLYPOSIS 1, ATTENUATED; POLYPOSIS, ADENOMATOUS INTESTINAL. Identifiers: MedGen C2713442, MONDO:0021056, OMIM 175100. Disease mechanism: loss of function.

Submissions (2):

Labcorp Genetics (formerly Invitae), Labcorp
Classification: Uncertain significance for Familial adenomatous polyposis 1. Last evaluated: 2025-11-03. Review status: criteria provided, single submitter. Criteria: Invitae Variant Classification Sherloc (09022015). Collection method: clinical testing. Allele origin: germline.
Comment: This sequence change replaces serine, which is neutral and polar, with phenylalanine, which is neutral and non-polar, at codon 1340 of the APC protein (p.Ser1340Phe). This variant is not present in population databases (gnomAD no frequency). This variant has not been reported in the literature in individuals affected with APC-related conditions. ClinVar contains an entry for this variant (Variation ID: 1737078). Invitae Evidence Modeling of protein sequence and biophysical properties (such as structural, functional, and spatial information, amino acid conservation, physicochemical variation, residue mobility, and thermodynamic stability) indicates that this missense variant is not expected to disrupt APC protein function with a negative predictive value of 95%. In summary, the available evidence is currently insufficient to determine the role of this variant in disease. Therefore, it has been classified as a Variant of Uncertain Significance.

Ambry Genetics
Classification: Uncertain significance for Hereditary cancer-predisposing syndrome. Last evaluated: 2024-11-27. Review status: criteria provided, single submitter. Criteria: Ambry Variant Classification Scheme 2023. Collection method: clinical testing. Allele origin: germline.
Comment: The p.S1340F variant (also known as c.4019C>T), located in coding exon 15 of the APC gene, results from a C to T substitution at nucleotide position 4019. The serine at codon 1340 is replaced by phenylalanine, an amino acid with highly dissimilar properties. This amino acid position is well conserved in available vertebrate species. In addition, in silico predictors for this gene do not accurately predict pathogenicity. Missense alterations in APC are not a common cause of disease (Spier I et al. Genet Med. 2024 Feb;26(2):100992). Based on the available evidence, the clinical significance of this variant remains unclear.

NM_000038.6(APC):c.4019C>T (p.Ser1340Phe)

Gene: APC (APC regulator of Wnt signaling pathway; plus strand). Cytogenetic location: 5q22.2.
Variant type: single nucleotide variant.
Coding change: c.4019C>T on transcript NM_000038.6 (MANE Select); coding-DNA position 4019, C replaced by T.
Protein change: p.Ser1340Phe; replaces serine 1340 with phenylalanine.
Molecular consequence: missense variant.
Genome position (GRCh38, 1-based): chr5:112,839,613, C>T. VCF-style: chr5-112839613-C-T. GRCh37 (hg19) VCF-style: chr5-112175310-C-T.
Other names: c.4019C>T, p.Ser1340Phe (NM_001407450.1, NM_001127510.3, NM_001354895.2); c.3998C>T, p.Ser1333Phe (NM_001407451.1); c.3989C>T, p.Ser1330Phe (NM_001407452.1); c.3170C>T, p.Ser1057Phe (NM_001407470.1, NM_001354906.2); c.2867C>T, p.Ser956Phe (NM_001407471.1, NM_001407472.1); c.3965C>T, p.Ser1322Phe (NM_001127511.3); c.3539C>T, p.Ser1180Phe (NM_001354905.2); c.4103C>T, p.Ser1368Phe (NM_001407446.1); and 11 more; short protein forms S1057F, S1322F, S1340F, S1180F, S1211F, S1239F, S1281F, S1330F.
Identifiers: ClinVar variation 1737078 (VCV001737078.4), dbSNP rs1280622194, ClinGen allele CA16030142.
Genomic context (GRCh38, chr5:112,839,613, plus strand): 5'-TGAGCGAAGTTCCAGCAGTGTCACAGCACCCTAGAACCAAATCCAGCAGACTGCAGGGTT[C>T]TAGTTTATCTTCAGAATCAGCCAGGCACAAAGCTGTTGAATTTTCTTCAGGAGCGAAATC-3'
Protein context (NP_000029.2, residues 1330-1350): PRTKSSRLQG[Ser1340Phe]SLSSESARHK